The following is an entry in ClinVar:

NM_015915.5(ATL1):c.862+220C>T

Gene: ATL1 (atlastin GTPase 1; plus strand). Cytogenetic location: 14q22.1.
Variant type: single nucleotide variant.
Coding change: c.862+220C>T on transcript NM_015915.5 (MANE Select); 220 bases into the intron after coding-DNA position 862, C replaced by T.
Molecular consequence: intron variant.
Genome position (GRCh38, 1-based): chr14:50,614,731, C>T. VCF-style: chr14-50614731-C-T. GRCh37 (hg19) VCF-style: chr14-51081449-C-T.
Other names: c.862+220C>T (NM_001127713.1, NM_181598.4).
Identifiers: ClinVar variation 678059 (VCV000678059.1), dbSNP rs1389650, ClinGen allele CA13937612.

ClinVar aggregate classification (germline): Benign (1 of 4 stars; one submission).

Allele frequency attached by ClinVar (database versions not stated): gnomAD 0.48730 and 0.49605; TOPMed 0.49389; 1000 Genomes Project 30x 0.52717; 1000 Genomes Project 0.53415.
gnomAD v4.1: 75,331 of 151,800 alleles (50%); highest among the groups gnomAD compares: East Asian, 74%; 19,687 homozygotes.

Submission:

GeneDx
Classification: Benign. Last evaluated: 2018-06-14. Review status: criteria provided, single submitter. Criteria: GeneDx Variant Classification (06012015). Collection method: clinical testing. Allele origin: germline. Affected: yes.
Comment: This variant is considered likely benign or benign based on one or more of the following criteria: it is a conservative change, it occurs at a poorly conserved position in the protein, it is predicted to be benign by multiple in silico algorithms, and/or has population frequency not consistent with disease.